The following is an entry in ClinVar:

ClinVar aggregate classification (germline): Uncertain significance (1 of 4 stars; one submission).

Conditions:
Hereditary sensory and autonomic neuropathy type 6. Also called: HSAN VI; Neuropathy, hereditary sensory and autonomic, type VI. Identifiers: Orphanet 314381, MedGen C3539003, MONDO:0013839, OMIM 614653.
Epidermolysis bullosa simplex 3, localized or generalized intermediate, with BP230 deficiency (EBS3). Also called: Epidermolysis bullosa simplex, autosomal recessive 2; Epidermolysis bullosa simplex due to BP230 deficiency. Identifiers: Orphanet 412181, MedGen C3809470, MONDO:0014180, OMIM 615425.

Allele frequency attached by ClinVar (database versions not stated): gnomAD exomes 0.00001.
gnomAD v4.1: 10 of 1,614,148 alleles (0.00062%); highest among the groups gnomAD compares: South Asian, 0.0011%; no homozygotes.

Submission:

Labcorp Genetics (formerly Invitae), Labcorp
Classification: Uncertain significance for Epidermolysis bullosa simplex 3, localized or generalized intermediate, with BP230 deficiency; Hereditary sensory and autonomic neuropathy type 6. Last evaluated: 2022-03-23. Review status: criteria provided, single submitter. Criteria: Invitae Variant Classification Sherloc (09022015). Collection method: clinical testing. Allele origin: germline.
Comment: In summary, the available evidence is currently insufficient to determine the role of this variant in disease. Therefore, it has been classified as a Variant of Uncertain Significance. Algorithms developed to predict the effect of missense changes on protein structure and function are either unavailable or do not agree on the potential impact of this missense change (SIFT: "Deleterious"; PolyPhen-2: "Possibly Damaging"; Align-GVGD: "Class C0"). ClinVar contains an entry for this variant (Variation ID: 474550). This variant has not been reported in the literature in individuals affected with DST-related conditions. This variant is not present in population databases (gnomAD no frequency). This sequence change replaces glutamic acid, which is acidic and polar, with glutamine, which is neutral and polar, at codon 246 of the DST protein (p.Glu246Gln).

NM_001374736.1(DST):c.2347G>C (p.Glu783Gln)

Gene: DST (dystonin; minus strand). Cytogenetic location: 6p12.1.
Variant type: single nucleotide variant.
Coding change: c.2347G>C on transcript NM_001374736.1 (MANE Select); coding-DNA position 2347, G replaced by C.
Protein change: p.Glu783Gln; replaces glutamic acid 783 with glutamine.
Molecular consequence: missense variant.
Genome position (GRCh38, 1-based): chr6:56,640,286, C>G on the plus strand (G>C on the coding strand, the complement: DST is on the minus strand). VCF-style: chr6-56640286-C-G. GRCh37 (hg19) VCF-style: chr6-56505084-C-G.
Other names: c.2248G>C, p.Glu750Gln (NM_001144769.5); c.1834G>C, p.Glu612Gln (NM_001144770.2); c.2347G>C, p.Glu783Gln (NM_001374722.1); c.1714G>C, p.Glu572Gln (NM_001374729.1, NM_001374730.1, NM_001386100.1 and 1 more transcripts); c.2374G>C, p.Glu792Gln (NM_001374734.1); c.736G>C, p.Glu246Gln (NM_001723.7, NM_015548.5); short protein forms E246Q, E612Q, E572Q, E750Q, E783Q, E792Q.
Identifiers: ClinVar variation 474550 (VCV000474550.7), dbSNP rs1554550101, ClinGen allele CA364578532.